The following is an entry in ClinVar:

NM_016373.4(WWOX):c.915C>T (p.Asn305=)

Gene: WWOX (WW domain containing oxidoreductase; plus strand). Cytogenetic location: 16q23.1.
Variant type: single nucleotide variant.
Coding change: c.915C>T on transcript NM_016373.4 (MANE Select); coding-DNA position 915, C replaced by T.
Protein change: p.Asn305=; no amino-acid change (asparagine 305 retained).
Molecular consequence: synonymous variant.
Genome position (GRCh38, 1-based): chr16:78,432,611, C>T. VCF-style: chr16-78432611-C-T. GRCh37 (hg19) VCF-style: chr16-78466508-C-T.
Other names: c.576C>T, p.Asn192= (NM_001291997.2).
Identifiers: ClinVar variation 1156215 (VCV001156215.10), dbSNP rs201818301, ClinGen allele CA8183549.

ClinVar aggregate classification (germline): Likely benign. Review status: criteria provided, multiple submitters, no conflicts (2 of 4 stars). 2 submissions from 2 submitters: Likely benign (2). Last evaluated 2026-09-01.

Conditions:
Autosomal recessive spinocerebellar ataxia 12. Also called: SPINOCEREBELLAR ATAXIA WITH MENTAL RETARDATION AND EPILEPSY. Identifiers: Orphanet 284282, MedGen C3280452, MONDO:0013687, OMIM 614322.
Developmental and epileptic encephalopathy, 1 (DEE1). Also called: OHTAHARA SYNDROME, X-LINKED; X-linked infantile spasms; West's syndrome; Tonic spasms with clustering, arrest of psychomotor development and hypsarrhythmia on EEG; X-Linked Infantile Spasm Syndrome; INFANTILE SPASM SYNDROME, X-LINKED 1. Identifiers: MedGen C3463992, MONDO:0010632, OMIM 308350. Disease mechanism: loss of function.

gnomAD v4.1: 9 of 1,614,224 alleles (0.00056%); highest among the groups gnomAD compares: East Asian, 0.0045%; no homozygotes.

Submissions (2):

CeGaT Center for Human Genetics Tuebingen
Classification: Likely benign. Last evaluated: 2026-09-01. Review status: criteria provided, single submitter. Criteria: CeGaT Center For Human Genetics Tuebingen Variant Classification Criteria Version 2. Collection method: clinical testing. Allele origin: germline. Affected: yes. Observed: 1 variant allele.
Comment: WWOX: BP4, BP7

Labcorp Genetics (formerly Invitae), Labcorp
Classification: Likely benign for Developmental and epileptic encephalopathy, 1; Autosomal recessive spinocerebellar ataxia 12. Last evaluated: 2025-05-12. Review status: criteria provided, single submitter. Criteria: Invitae Variant Classification Sherloc (09022015). Collection method: clinical testing. Allele origin: germline.